The following is an entry in ClinVar:

ClinVar aggregate classification (germline): Likely benign. Review status: criteria provided, single submitter (1 of 4 stars). 2 submissions from 2 submitters: Likely benign (1). 1 of the submissions does not count toward it. Last evaluated 2026-01-09.

Conditions:
KMT2A-related disorder. Also called: KMT2A-related condition.

Submissions (2):

Labcorp Genetics (formerly Invitae), Labcorp
Classification: Likely benign. Last evaluated: 2026-01-09. Review status: criteria provided, single submitter. Criteria: Invitae Variant Classification Sherloc (09022015). Collection method: clinical testing. Allele origin: germline.

PreventionGenetics, part of Exact Sciences
Classification: Likely benign for KMT2A-related condition. Last evaluated: 2023-04-25. Review status: no assertion criteria provided. Collection method: clinical testing. Allele origin: germline. Not counted in ClinVar's aggregate classification.
Comment: This variant is classified as likely benign based on ACMG/AMP sequence variant interpretation guidelines (Richards et al. 2015 PMID: 25741868, with internal and published modifications).

NM_001197104.2(KMT2A):c.6453C>G (p.Pro2151=)

Gene: KMT2A (lysine methyltransferase 2A; plus strand). Cytogenetic location: 11q23.3.
Variant type: single nucleotide variant.
Coding change: c.6453C>G on transcript NM_001197104.2 (MANE Select); coding-DNA position 6453, C replaced by G.
Protein change: p.Pro2151=; no amino-acid change (proline 2151 retained).
Molecular consequence: synonymous variant.
Genome position (GRCh38, 1-based): chr11:118,501,805, C>G. VCF-style: chr11-118501805-C-G. GRCh37 (hg19) VCF-style: chr11-118372520-C-G.
Other names: c.6543C>G, p.Pro2181= (NM_001412597.1); c.6444C>G, p.Pro2148= (NM_005933.4).
Identifiers: ClinVar variation 2793419 (VCV002793419.5), dbSNP rs2496984601, ClinGen allele CA477093250.